The following is an entry in ClinVar:

NM_000091.5(COL4A3):c.1029+2T>G

Genes: COL4A3 (collagen type IV alpha 3 chain; plus strand), MFF-DT (MFF divergent transcript; minus strand). Cytogenetic location: 2q36.3.
Variant type: single nucleotide variant.
Coding change: c.1029+2T>G on transcript NM_000091.5 (MANE Select); the canonical splice donor site of the intron after coding-DNA position 1029, T replaced by G.
Molecular consequence: splice donor variant.
Genome position (GRCh38, 1-based): chr2:227,257,646, T>G. VCF-style: chr2-227257646-T-G. GRCh37 (hg19) VCF-style: chr2-228122362-T-G.
Identifiers: ClinVar variation 1067372 (VCV001067372.9), dbSNP rs2125947143, ClinGen allele CA350867611.
Genomic context (GRCh38, chr2:227,257,646, plus strand): 5'-AATGTCTTTCACTGTAGGGACAGAAAGGGGACATTGGCCCTCCAGGATTTCGTGGTCCAG[T>G]AAGTGTGATTAAAGACAATATCAATGCTATGTTTGATCAAGTTCTTTAAAGTAGCAAGGA-3'

ClinVar aggregate classification (germline): Likely pathogenic (1 of 4 stars; one submission).

Submission:

Labcorp Genetics (formerly Invitae), Labcorp
Classification: Likely pathogenic. Last evaluated: 2020-09-30. Review status: criteria provided, single submitter. Criteria: Invitae Variant Classification Sherloc (09022015). Collection method: clinical testing. Allele origin: germline.
Comment: In summary, the currently available evidence indicates that the variant is pathogenic, but additional data are needed to prove that conclusively. Therefore, this variant has been classified as Likely Pathogenic. Donor and acceptor splice site variants typically lead to a loss of protein function (PMID: 16199547), and loss-of-function variants in COL4A3 are known to be pathogenic (PMID: 8956999, 24854265). Algorithms developed to predict the effect of sequence changes on RNA splicing suggest that this variant may disrupt the consensus splice site, but this prediction has not been confirmed by published transcriptional studies. This variant has not been reported in the literature in individuals with COL4A3-related conditions. This variant is not present in population databases (ExAC no frequency). This sequence change affects a donor splice site in intron 18 of the COL4A3 gene. It is expected to disrupt RNA splicing and likely results in an absent or disrupted protein product.

Literature cited by the submitters: PubMed 16199547; PubMed 8956999; PubMed 24854265.